The following is an entry in ClinVar:

ClinVar aggregate classification (germline): Likely benign (0 of 4 stars; one submission).

Conditions:
MC3R-related disorder. Also called: MC3R-related condition.

gnomAD v4.1: 1 of 1,614,006 alleles (0.000062%); highest among the groups gnomAD compares: African/African-American, 0.0013%; no homozygotes.

Submission:

PreventionGenetics, part of Exact Sciences
Classification: Likely benign for MC3R-related condition. Last evaluated: 2023-07-11. Review status: no assertion criteria provided. Collection method: clinical testing. Allele origin: germline.
Comment: This variant is classified as likely benign based on ACMG/AMP sequence variant interpretation guidelines (Richards et al. 2015 PMID: 25741868, with internal and published modifications).

NM_019888.3(MC3R):c.42G>A (p.Leu14=)

Gene: MC3R (melanocortin 3 receptor; plus strand). Cytogenetic location: 20q13.2.
Variant type: single nucleotide variant.
Coding change: c.42G>A on transcript NM_019888.3 (MANE Select); coding-DNA position 42, G replaced by A.
Protein change: p.Leu14=; no amino-acid change (leucine 14 retained).
Molecular consequence: synonymous variant.
Genome position (GRCh38, 1-based): chr20:56,248,885, G>A. VCF-style: chr20-56248885-G-A. GRCh37 (hg19) VCF-style: chr20-54823941-G-A.
Identifiers: ClinVar variation 3356278 (VCV003356278.1).
Genomic context (GRCh38, chr20:56,248,885, plus strand): 5'-ATCAGCCCTTCTGACAGCAATGAATGCTTCGTGCTGCCTGCCCTCTGTTCAGCCAACACT[G>A]CCTAATGGCTCGGAGCACCTCCAAGCCCCTTTCTTCAGCAACCAGAGCAGCAGCGCCTTC-3'
Protein context (NP_063941.3, residues 4-24): SCCLPSVQPT[Leu14=]PNGSEHLQAP